The following is an entry in ClinVar:

ClinVar aggregate classification (germline): Uncertain significance (1 of 4 stars; one submission).

Submission:

GeneDx
Classification: Uncertain significance. Last evaluated: 2022-04-07. Review status: criteria provided, single submitter. Criteria: GeneDx Variant Classification Process June 2021. Collection method: clinical testing. Allele origin: germline. Affected: yes.
Comment: Has not been previously published as pathogenic or benign to our knowledge; Not observed at significant frequency in large population cohorts (gnomAD); In silico analysis supports that this missense variant has a deleterious effect on protein structure/function

NM_001830.4(CLCN4):c.1138A>G (p.Thr380Ala)

Gene: CLCN4 (chloride voltage-gated channel 4; plus strand). Cytogenetic location: Xp22.2.
Variant type: single nucleotide variant.
Coding change: c.1138A>G on transcript NM_001830.4 (MANE Select); coding-DNA position 1138, A replaced by G.
Protein change: p.Thr380Ala; replaces threonine 380 with alanine.
Molecular consequence: missense variant.
Genome position (GRCh38, 1-based): chrX:10,208,339, A>G. VCF-style: chrX-10208339-A-G. GRCh37 (hg19) VCF-style: chrX-10176379-A-G.
Other names: c.856A>G, p.Thr286Ala (NM_001256944.2); short protein forms T286A, T380A.
Identifiers: ClinVar variation 1708867 (VCV001708867.2), dbSNP rs2518885478, ClinGen allele CA412037934.